The following is an entry in ClinVar:

ClinVar aggregate classification (germline): Uncertain significance (1 of 4 stars; one submission).

Conditions:
SEMA3C-related disorder. Also called: SEMA3C-related condition.

Submission:

PreventionGenetics, part of Exact Sciences
Classification: Uncertain significance for SEMA3C-related condition. Last evaluated: 2025-04-29. Review status: criteria provided, single submitter. Criteria: ACMG Guidelines, 2015. Collection method: clinical testing. Allele origin: germline.
Comment: The SEMA3C c.1196_1198delGAG variant is predicted to result in an in-frame deletion (p.Gly399del). To our knowledge, this variant has not been reported in the literature. This variant is reported in 0.0016% of alleles in individuals of European (Non-Finnish) descent in gnomAD. At this time, the clinical significance of this variant is uncertain due to the absence of conclusive functional and genetic evidence.

NM_006379.5(SEMA3C):c.1139GAG[1] (p.Gly381del)

Gene: SEMA3C (semaphorin 3C; minus strand). Cytogenetic location: 7q21.11.
Variant type: Microsatellite.
Coding change: c.1139GAG[1] on transcript NM_006379.5 (MANE Select); one copy of the 3-base unit GAG starting at c.1139; the reference has two copies in a row; one copy, 3 bases deleted.
Protein change: p.Gly381del; deletes glycine 381.
Molecular consequence: inframe deletion.
Genome position (GRCh38, 1-based): chr7:80,789,516-80,789,518, CTC deleted on the plus strand (GAG on the coding strand, the reverse complement: SEMA3C is on the minus strand); deleting any 3 consecutive bases within chr7:80,789,516-80,789,523 gives the same sequence; the position shown is the placement nearest the transcript's 3' end. VCF-style (leftmost placement, unchanged base first): chr7-80789515-GCTC-G. GRCh37 (hg19) VCF-style: chr7-80418831-GCTC-G.
Other names: c.1193GAG[1], p.Gly399del (NM_001350120.2); c.965GAG[1], p.Gly323del (NM_001350121.2); short protein forms G323del, G381del, G399del.
Identifiers: ClinVar variation 3358023 (VCV003358023.2).